The following is an entry in ClinVar:

ClinVar aggregate classification (germline): Benign (1 of 4 stars; one submission).

Allele frequency attached by ClinVar (database versions not stated): gnomAD 0.05486; TOPMed 0.06380; 1000 Genomes Project 30x 0.07118; 1000 Genomes Project 0.07417.
gnomAD v4.1: 6,258 of 111,440 alleles (5.6%); highest among the groups gnomAD compares: African/African-American, 16%; 313 homozygotes.

Submission:

GeneDx
Classification: Benign. Last evaluated: 2018-06-16. Review status: criteria provided, single submitter. Criteria: GeneDx Variant Classification (06012015). Collection method: clinical testing. Allele origin: germline. Affected: yes.
Comment: This variant is considered likely benign or benign based on one or more of the following criteria: it is a conservative change, it occurs at a poorly conserved position in the protein, it is predicted to be benign by multiple in silico algorithms, and/or has population frequency not consistent with disease.

NM_004006.3(DMD):c.8218-456C>G

Gene: DMD (dystrophin; minus strand). Cytogenetic location: Xp21.1.
Variant type: single nucleotide variant.
Coding change: c.8218-456C>G on transcript NM_004006.3 (MANE Select); 456 bases into the intron before coding-DNA position 8218, C replaced by G.
Molecular consequence: intron variant.
Genome position (GRCh38, 1-based): chrX:31,507,909, G>C on the plus strand (C>G on the coding strand, the complement: DMD is on the minus strand). VCF-style: chrX-31507909-G-C. GRCh37 (hg19) VCF-style: chrX-31526026-G-C.
Other names: c.8194-456C>G (NM_000109.4); c.4195-456C>G (NM_004011.4); c.4186-456C>G (NM_004012.4); c.838-456C>G (NM_004023.3, NM_004020.4, NM_004022.3 and 2 more transcripts); c.30+299C>G (NM_004014.3); c.8206-456C>G (NM_004009.3); c.7849-456C>G (NM_004010.3).
Identifiers: ClinVar variation 680597 (VCV000680597.1), dbSNP rs60685780, ClinGen allele CA328438254.